The following is an entry in ClinVar:

ClinVar aggregate classification (germline): Pathogenic/Likely pathogenic. Review status: criteria provided, multiple submitters, no conflicts (2 of 4 stars). 4 submissions from 4 submitters: Pathogenic (2); Likely pathogenic (1). 1 of the submissions does not count toward it. Last evaluated 2025-11-10.

Conditions:
RHBDF2-related disorder. Also called: RHBDF2-related condition.
Palmoplantar keratoderma-esophageal carcinoma syndrome (TOC). Also called: PALMOPLANTAR KERATODERMA WITH ESOPHAGEAL CANCER; KERATOSIS PALMARIS ET PLANTARIS WITH ESOPHAGEAL CANCER; Tylosis with Esophageal Cancer. Identifiers: Orphanet 2198, MedGen C1835664, MONDO:0007856, OMIM 148500.

Allele frequency attached by ClinVar (database versions not stated): gnomAD exomes below 0.00001.
gnomAD v4.1: 3 of 1,603,862 alleles (0.00019%); highest among the groups gnomAD compares: Non-Finnish European, 0.00026%; no homozygotes.

Submissions (4):

Labcorp Genetics (formerly Invitae), Labcorp
Classification: Pathogenic. Last evaluated: 2025-11-10. Review status: criteria provided, single submitter. Criteria: Invitae Variant Classification Sherloc (09022015). Collection method: clinical testing. Allele origin: germline.
Comment: This sequence change replaces isoleucine, which is neutral and non-polar, with threonine, which is neutral and polar, at codon 186 of the RHBDF2 protein (p.Ile186Thr). This variant is not present in population databases (gnomAD no frequency). This missense change has been observed in individuals with tylosis with esophageal cancer (PMID: 22265016). It has also been observed to segregate with disease in related individuals. ClinVar contains an entry for this variant (Variation ID: 31178). An algorithm developed to predict the effect of missense changes on protein structure and function (PolyPhen-2) suggests that this variant is likely to be disruptive. For these reasons, this variant has been classified as Pathogenic.

GeneDx
Classification: Likely pathogenic. Last evaluated: 2024-12-20. Review status: criteria provided, single submitter. Criteria: GeneDx Variant Classification Process June 2021. Collection method: clinical testing. Allele origin: germline. Affected: yes.
Comment: Not observed at significant frequency in large population cohorts (gnomAD); In silico analysis indicates that this missense variant does not alter protein structure/function; This variant is associated with the following publications: (PMID: 28128203, 38409522, 29116018, 35971826, 24825892, 22638770, 26419362, 30938830, 28655741, 30890028, 32911849, 24643277, 39131151, 22265016)

Blueprint Genetics
Classification: Pathogenic for RHBDF2-related disorders. Last evaluated: 2020-03-23. Review status: criteria provided, single submitter. Criteria: ACMG Guidelines, 2015. Collection method: clinical testing. Allele origin: germline. Affected: yes. Observed: 1 variant allele.

OMIM
Classification: Pathogenic for TYLOSIS WITH ESOPHAGEAL CANCER. Last evaluated: 2012-02-10. Review status: no assertion criteria provided. Collection method: literature only. Allele origin: germline. Not counted in ClinVar's aggregate classification.

Literature cited by the submitters: PubMed 22265016 (cited by Labcorp Genetics (formerly Invitae), Labcorp and OMIM); PubMed 13209063 (cited by OMIM); PubMed 8508402 (cited by OMIM).

NM_001005498.4(RHBDF2):c.470T>C (p.Ile157Thr)

Gene: RHBDF2 (rhomboid 5 homolog 2; minus strand). Cytogenetic location: 17q25.1.
Variant type: single nucleotide variant.
Coding change: c.470T>C on transcript NM_001005498.4 (MANE Select); coding-DNA position 470, T replaced by C.
Protein change: p.Ile157Thr; replaces isoleucine 157 with threonine.
Molecular consequence: missense variant. On other transcripts: non-coding transcript variant (3).
Genome position (GRCh38, 1-based): chr17:76,479,008, A>G on the plus strand (T>C on the coding strand, the complement: RHBDF2 is on the minus strand). VCF-style: chr17-76479008-A-G. GRCh37 (hg19) VCF-style: chr17-74475090-A-G.
Other names: c.470T>C, p.Ile157Thr (NM_001376228.1, NM_001376229.1, NM_001376230.1); c.557T>C, p.Ile186Thr (NM_024599.5); short protein forms I186T, I157T.
Identifiers: ClinVar variation 31178 (VCV000031178.10), dbSNP rs387907129, ClinGen allele CA129732.